The following is an entry in ClinVar:

NM_153603.4(COG7):c.69C>T (p.Ala23=)

Genes: COG7 (component of oligomeric golgi complex 7; minus strand), LOC130058658 (ATAC-STARR-seq lymphoblastoid active region 10580; plus strand). Cytogenetic location: 16p12.2.
Variant type: single nucleotide variant.
Coding change: c.69C>T on transcript NM_153603.4 (MANE Select); coding-DNA position 69, C replaced by T.
Protein change: p.Ala23=; no amino-acid change (alanine 23 retained).
Molecular consequence: synonymous variant.
Genome position (GRCh38, 1-based): chr16:23,452,926, G>A on the plus strand (C>T on the coding strand, the complement: COG7 is on the minus strand). VCF-style: chr16-23452926-G-A. GRCh37 (hg19) VCF-style: chr16-23464247-G-A.
Identifiers: ClinVar variation 388638 (VCV000388638.6), dbSNP rs369785066, ClinGen allele CA7961431.
Genomic context (GRCh38, chr16:23,452,926, plus strand): 5'-CTTCATCACCAGGGTGGCTGCGTGGCCATCCGCCTTCCCGGACGCCGCCTCCTTGGAGCC[G>A]GCCCTGAAGGCCGCATTGATCCACTCCTTCACGTCGAAGTCGTCTGCCAGGAACTTGGAG-3'
Protein context (NP_705831.1, residues 13-33): VKEWINAAFR[Ala23=]GSKEAASGKA

ClinVar aggregate classification (germline): Likely benign. Review status: criteria provided, multiple submitters, no conflicts (2 of 4 stars). 2 submissions from 2 submitters: Likely benign (2). Last evaluated 2025-10-25.

Conditions:
COG7 congenital disorder of glycosylation (CDG2E). Also called: CONGENITAL DISORDER OF GLYCOSYLATION, TYPE IIe; CDG IIe. Identifiers: Orphanet 79333, MedGen C2931010, MONDO:0012118, OMIM 608779.

Allele frequency attached by ClinVar (database versions not stated): gnomAD 0.00004; TOPMed 0.00007; ESP Exome Variant Server 0.00015.
gnomAD v4.1: 36 of 1,613,964 alleles (0.0022%); highest among the groups gnomAD compares: Non-Finnish European, 0.0028%; no homozygotes.

Submissions (2):

Labcorp Genetics (formerly Invitae), Labcorp
Classification: Likely benign for COG7 congenital disorder of glycosylation. Last evaluated: 2025-10-25. Review status: criteria provided, single submitter. Criteria: Invitae Variant Classification Sherloc (09022015). Collection method: clinical testing. Allele origin: germline.

GeneDx
Classification: Likely benign. Last evaluated: 2016-08-27. Review status: criteria provided, single submitter. Criteria: GeneDx Variant Classification (06012015). Collection method: clinical testing. Allele origin: germline. Affected: yes.
Comment: This variant is considered likely benign or benign based on one or more of the following criteria: it is a conservative change, it occurs at a poorly conserved position in the protein, it is predicted to be benign by multiple in silico algorithms, and/or has population frequency not consistent with disease.